The following is an entry in ClinVar:

ClinVar aggregate classification (germline): Uncertain significance (1 of 4 stars; one submission).

Submission:

Labcorp Genetics (formerly Invitae), Labcorp
Classification: Uncertain significance. Last evaluated: 2024-04-19. Review status: criteria provided, single submitter. Criteria: Invitae Variant Classification Sherloc (09022015). Collection method: clinical testing. Allele origin: germline.
Comment: This sequence change replaces proline, which is neutral and non-polar, with serine, which is neutral and polar, at codon 80 of the MNX1 protein (p.Pro80Ser). The frequency data for this variant in the population databases is considered unreliable, as metrics indicate insufficient coverage at this position in the gnomAD database. This variant has not been reported in the literature in individuals affected with MNX1-related conditions. Advanced modeling of protein sequence and biophysical properties (such as structural, functional, and spatial information, amino acid conservation, physicochemical variation, residue mobility, and thermodynamic stability) performed at Invitae indicates that this missense variant is not expected to disrupt MNX1 protein function with a negative predictive value of 80%. In summary, the available evidence is currently insufficient to determine the role of this variant in disease. Therefore, it has been classified as a Variant of Uncertain Significance.

NM_005515.4(MNX1):c.238C>T (p.Pro80Ser)

Gene: MNX1 (motor neuron and pancreas homeobox 1; minus strand). Cytogenetic location: 7q36.3.
Variant type: single nucleotide variant.
Coding change: c.238C>T on transcript NM_005515.4 (MANE Select); coding-DNA position 238, C replaced by T.
Protein change: p.Pro80Ser; replaces proline 80 with serine.
Molecular consequence: missense variant.
Genome position (GRCh38, 1-based): chr7:157,010,113, G>A on the plus strand (C>T on the coding strand, the complement: MNX1 is on the minus strand). VCF-style: chr7-157010113-G-A. GRCh37 (hg19) VCF-style: chr7-156802807-G-A.
Other names: short protein forms P80S.
Identifiers: ClinVar variation 3650422 (VCV003650422.2).